The following is an entry in ClinVar:

ClinVar aggregate classification (germline): Uncertain significance. Review status: criteria provided, multiple submitters, no conflicts (2 of 4 stars). 3 submissions from 3 submitters: Uncertain significance (3). Last evaluated 2025-11-14.

Conditions:
Orofacial-digital syndrome IV (OFD4). Also called: BARAITSER-BURN SYNDROME; OFD SYNDROME WITH TIBIAL DEFECTS; OFD SYNDROME, BARAITSER-BURN TYPE; OFDS IV; ORAL-FACIAL-DIGITAL SYNDROME, TYPE IV; MOHR-MAJEWSKI SYNDROME. Identifiers: Orphanet 2753, MedGen C0406727, MONDO:0009794, OMIM 258860.

Allele frequency attached by ClinVar (database versions not stated): TOPMed below 0.00001; ExAC 0.00001; gnomAD 0.00001; gnomAD exomes 0.00001.
gnomAD v4.1: 5 of 1,613,946 alleles (0.00031%); highest among the groups gnomAD compares: South Asian, 0.0011%; no homozygotes.

Submissions (3):

Dasa
Classification: Uncertain significance for orofaciodigital syndrome IV. Last evaluated: 2025-11-14. Review status: criteria provided, single submitter. Criteria: DASA Assertion Criteria. Collection method: clinical testing. Allele origin: germline.
Comment: NM_015631.6(TCTN3):c.1561C>T (p.Arg521*) is a nonsense variant in TCTN3 predicted to introduce a premature termination codon and is predicted to result in an absent or altered protein product. This variant is rare in population databases. The currently available literature and clinical evidence are not sufficient to establish a definitive association between this variant and the reported condition. Therefore, this variant is classified as a variant of uncertain significance.

Women's Health and Genetics/Laboratory Corporation of America, LabCorp
Classification: Uncertain significance. Last evaluated: 2025-03-24. Review status: criteria provided, single submitter. Criteria: LabCorp Variant Classification Summary - May 2015. Collection method: clinical testing. Allele origin: germline.
Comment: Variant summary: TCTN3 c.1561C>T (p.Arg521X) results in a premature termination codon, predicted cause a truncation of the encoded protein and may cause absence of the protein due to nonsense mediated decay, which are commonly known mechanisms for disease. However this stop codon occurs within 50 base pairs of the end of the penultimate exon, which may allow a functional protein and avoid nonsense mediated decay. No truncations downstream of this position have been classified as pathogenic by our laboratory, though one is classified as likely pathogenic (p.Ser587Ter) and multiple truncation variants in this region are classified as VUS in ClinVar. To our knowledge, no occurrence of c.1561C>T in individuals affected with Joubert Syndrome And Related Disorders and no experimental evidence demonstrating its impact on protein function have been reported. No clinical diagnostic laboratories have submitted clinical-significance assessments for this variant to ClinVar after 2014. Based on the evidence outlined above, the variant was classified as VUS-possibly pathogenic.

Blueprint Genetics
Classification: Uncertain significance. Last evaluated: 2024-06-11. Review status: criteria provided, single submitter. Criteria: ACMG Guidelines, 2015. Collection method: clinical testing. Allele origin: germline.

NM_015631.6(TCTN3):c.1561C>T (p.Arg521Ter)

Gene: TCTN3 (tectonic family member 3; minus strand). Cytogenetic location: 10q24.1.
Variant type: single nucleotide variant.
Coding change: c.1561C>T on transcript NM_015631.6 (MANE Select); coding-DNA position 1561, C replaced by T.
Protein change: p.Arg521Ter; replaces arginine 521 with a stop codon.
Molecular consequence: nonsense.
Genome position (GRCh38, 1-based): chr10:95,680,501, G>A on the plus strand (C>T on the coding strand, the complement: TCTN3 is on the minus strand). VCF-style: chr10-95680501-G-A. GRCh37 (hg19) VCF-style: chr10-97440258-G-A.
Other names: c.1615C>T, p.Arg539Ter (NM_001013840.1); c.1117C>T, p.Arg373Ter (NM_001143973.2); c.1465C>T, p.Arg489Ter (NM_001410982.1); short protein forms R373*, R489*, R521*, R539*.
Identifiers: ClinVar variation 2429256 (VCV002429256.7), dbSNP rs763433183, ClinGen allele CA5620797.